The following is an entry in ClinVar:

ClinVar aggregate classification (germline): Uncertain significance. Review status: criteria provided, multiple submitters, no conflicts (2 of 4 stars). 2 submissions from 2 submitters: Uncertain significance (2). Last evaluated 2025-03-14.

Conditions:
Hereditary cancer-predisposing syndrome. Also called: Neoplastic Syndromes, Hereditary; Tumor predisposition; Hereditary Cancer Syndrome; Hereditary neoplastic syndrome. Identifiers: Orphanet 140162, MedGen C0027672, MeSH D009386, MONDO:0015356.
Retinoblastoma (RB1). Also called: RETINOBLASTOMA, SOMATIC. Identifiers: Orphanet 790, MedGen C0035335, MeSH D012175, MONDO:0008380, OMIM 180200, HP:0009919. Disease mechanism: loss of function. Inheritance: Both sporadic and heritable forms are tested..

Allele frequency attached by ClinVar (database versions not stated): gnomAD exomes below 0.00001.
gnomAD v4.1: 2 of 1,613,794 alleles (0.00012%); highest among the groups gnomAD compares: Non-Finnish European, 0.00017%; no homozygotes.

Submissions (2):

Labcorp Genetics (formerly Invitae), Labcorp
Classification: Uncertain significance for Retinoblastoma. Last evaluated: 2025-03-14. Review status: criteria provided, single submitter. Criteria: Invitae Variant Classification Sherloc (09022015). Collection method: clinical testing. Allele origin: germline.
Comment: This sequence change replaces glutamic acid, which is acidic and polar, with glycine, which is neutral and non-polar, at codon 413 of the RB1 protein (p.Glu413Gly). This variant is not present in population databases (gnomAD no frequency). This variant has not been reported in the literature in individuals affected with RB1-related conditions. ClinVar contains an entry for this variant (Variation ID: 1757312). Invitae Evidence Modeling of protein sequence and biophysical properties (such as structural, functional, and spatial information, amino acid conservation, physicochemical variation, residue mobility, and thermodynamic stability) indicates that this missense variant is not expected to disrupt RB1 protein function with a negative predictive value of 80%. In summary, the available evidence is currently insufficient to determine the role of this variant in disease. Therefore, it has been classified as a Variant of Uncertain Significance.

Ambry Genetics
Classification: Uncertain significance for Hereditary cancer-predisposing syndrome. Last evaluated: 2021-11-04. Review status: criteria provided, single submitter. Criteria: Ambry Variant Classification Scheme 2023. Collection method: clinical testing. Allele origin: germline.
Comment: The p.E413G variant (also known as c.1238A>G), located in coding exon 13 of the RB1 gene, results from an A to G substitution at nucleotide position 1238. The glutamic acid at codon 413 is replaced by glycine, an amino acid with similar properties. This amino acid position is not well conserved in available vertebrate species. In addition, this alteration is predicted to be tolerated by in silico analysis. Since supporting evidence is limited at this time, the clinical significance of this alteration remains unclear.

NM_000321.3(RB1):c.1238A>G (p.Glu413Gly)

Gene: RB1 (RB transcriptional corepressor 1; plus strand). Cytogenetic location: 13q14.2.
Variant type: single nucleotide variant.
Coding change: c.1238A>G on transcript NM_000321.3 (MANE Select); coding-DNA position 1238, A replaced by G.
Protein change: p.Glu413Gly; replaces glutamic acid 413 with glycine.
Molecular consequence: missense variant.
Genome position (GRCh38, 1-based): chr13:48,376,940, A>G. VCF-style: chr13-48376940-A-G. GRCh37 (hg19) VCF-style: chr13-48951076-A-G.
Other names: c.1238A>G, p.Glu413Gly (NM_001407165.1, NM_001407166.1); short protein forms E413G.
Identifiers: ClinVar variation 1757312 (VCV001757312.4), dbSNP rs1462517568, ClinGen allele CA388161981.